The following is an entry in ClinVar:

NM_000305.3(PON2):c.677A>G (p.Asn226Ser)

Genes: ASB4 (ankyrin repeat and SOCS box containing 4; plus strand), PON2 (paraoxonase 2; minus strand), LOC107986822 (uncharacterized LOC107986822; plus strand). Cytogenetic location: 7q21.3.
Variant type: single nucleotide variant.
Coding change: c.677A>G on transcript NM_000305.3 (MANE Select); coding-DNA position 677, A replaced by G.
Protein change: p.Asn226Ser; replaces asparagine 226 with serine.
Molecular consequence: missense variant.
Genome position (GRCh38, 1-based): chr7:95,409,919, T>C on the plus strand (A>G on the coding strand, the complement: PON2 is on the minus strand). VCF-style: chr7-95409919-T-C. GRCh37 (hg19) VCF-style: chr7-95039231-T-C.
Other names: c.641A>G, p.Asn214Ser (NM_001018161.2); short protein forms N214S, N226S.
Identifiers: ClinVar variation 933154 (VCV000933154.1), dbSNP rs200897774, ClinGen allele CA4351007.
Genomic context (GRCh38, chr7:95,409,919, plus strand): 5'-CACAACTGAAGAAAAATGAAGATATTCTATAAGGGGCCATACTTATCATCAGGTGAAATA[T>C]TGATCCCATTTGCTGAATCAAATCCTTCTGCTACCACTTTAACTTCATTTGGACTGTAGT-3'
Protein context (NP_000296.2, residues 216-236): AEGFDSANGI[Asn226Ser]ISPDDKYIYV

ClinVar aggregate classification (germline): Likely benign (1 of 4 stars; one submission).

Allele frequency attached by ClinVar (database versions not stated): gnomAD 0.00009 and 0.00034; TOPMed 0.00018; gnomAD exomes 0.00066 and 0.00119; ExAC 0.00130; 1000 Genomes Project 30x 0.00172; 1000 Genomes Project 0.00180.
gnomAD v4.1: 1,026 of 1,613,402 alleles (0.064%); highest among the groups gnomAD compares: South Asian, 0.96%; 17 homozygotes.

Submission:

Women's Health and Genetics/Laboratory Corporation of America, LabCorp
Classification: Likely benign. Last evaluated: 2020-06-15. Review status: criteria provided, single submitter. Criteria: LabCorp Variant Classification Summary - May 2015. Collection method: clinical testing. Allele origin: germline.
Comment: Variant summary: PON2 c.677A>G (p.Asn226Ser) results in a conservative amino acid change in the encoded protein sequence. Five of five in-silico tools predict a benign effect of the variant on protein function. The variant allele was found at a frequency of 0.0012 in 251168 control chromosomes, predominantly at a frequency of 0.0082 within the South Asian subpopulation in the gnomAD database, including 4 homozygotes. The observed variant frequency within South Asian control individuals in the gnomAD database is approximately 410 fold of the estimated maximal expected allele frequency for a pathogenic variant in PON2 causing Early Onset Coronary Artery Disease phenotype (2e-05), strongly suggesting that the variant is a benign polymorphism found primarily in populations of South Asian origin. c.677A>G has been reported in the literature in individuals affected with Amyotrophic Lateral Sclerosis (AML). This report however, does not provide unequivocal conclusions about association of the variant with Early Onset Coronary Artery Disease. To our knowledge, no experimental evidence demonstrating an impact on protein function has been reported. No clinical diagnostic laboratories have submitted clinical-significance assessments for this variant to ClinVar after 2014. Based on the evidence outlined above, the variant was classified as likely benign.

Literature cited by the submitters: PubMed 31432357.